The following is an entry in ClinVar:

NM_133642.5(LARGE1):c.1411A>G (p.Ser471Gly)

Gene: LARGE1 (LARGE xylosyl- and glucuronyltransferase 1; minus strand). Cytogenetic location: 22q12.3.
Variant type: single nucleotide variant.
Coding change: c.1411A>G on transcript NM_133642.5 (MANE Select); coding-DNA position 1411, A replaced by G.
Protein change: p.Ser471Gly; replaces serine 471 with glycine.
Molecular consequence: missense variant.
Genome position (GRCh38, 1-based): chr22:33,316,125, T>C on the plus strand (A>G on the coding strand, the complement: LARGE1 is on the minus strand). VCF-style: chr22-33316125-T-C. GRCh37 (hg19) VCF-style: chr22-33712111-T-C.
Other names: c.1411A>G, p.Ser471Gly (NM_001362949.2, NM_001362951.2, NM_001362953.2 and 6 more transcripts); c.1255A>G, p.Ser419Gly (NM_001378629.1); c.808A>G, p.Ser270Gly (NM_001378630.1); c.652A>G, p.Ser218Gly (NM_001378631.1); short protein forms S270G, S218G, S419G, S471G.
Identifiers: ClinVar variation 1038213 (VCV001038213.6), dbSNP rs1936127827, ClinGen allele CA411540872.

ClinVar aggregate classification (germline): Uncertain significance (1 of 4 stars; one submission).

Conditions:
Muscular dystrophy-dystroglycanopathy type B6 (MDDGB6). Also called: MUSCULAR DYSTROPHY, CONGENITAL, LARGE-RELATED; MUSCULAR DYSTROPHY, CONGENITAL, TYPE 1D; MUSCULAR DYSTROPHY-DYSTROGLYCANOPATHY (CONGENITAL WITH IMPAIRED INTELLECTUAL DEVELOPMENT), TYPE B, 6. Identifiers: MedGen C1837229, MONDO:0012138, OMIM 608840.

Submission:

Labcorp Genetics (formerly Invitae), Labcorp
Classification: Uncertain significance for Muscular dystrophy-dystroglycanopathy type B6. Last evaluated: 2022-07-19. Review status: criteria provided, single submitter. Criteria: Invitae Variant Classification Sherloc (09022015). Collection method: clinical testing. Allele origin: germline.
Comment: This sequence change replaces serine, which is neutral and polar, with glycine, which is neutral and non-polar, at codon 471 of the LARGE1 protein (p.Ser471Gly). This variant is not present in population databases (gnomAD no frequency). This variant has not been reported in the literature in individuals affected with LARGE1-related conditions. ClinVar contains an entry for this variant (Variation ID: 1038213). Algorithms developed to predict the effect of missense changes on protein structure and function output the following: SIFT: "Tolerated"; PolyPhen-2: "Benign"; Align-GVGD: "Class C0". The glycine amino acid residue is found in multiple mammalian species, which suggests that this missense change does not adversely affect protein function. In summary, the available evidence is currently insufficient to determine the role of this variant in disease. Therefore, it has been classified as a Variant of Uncertain Significance.